The following is an entry in ClinVar:

NM_006231.4(POLE):c.2465_2467dup (p.Lys822_Gly823insGlu)

Gene: POLE (DNA polymerase epsilon, catalytic subunit; minus strand). Cytogenetic location: 12q24.33.
Variant type: Duplication.
Coding change: c.2465_2467dup on transcript NM_006231.4 (MANE Select); coding-DNA positions 2465 to 2467, 3 bases duplicated (AGG; older notation c.2465_2467dupAGG).
Protein change: p.Lys822_Gly823insGlu.
Molecular consequence: inframe insertion.
Genome position (GRCh38, 1-based): chr12:132,665,303-132,665,305, CCT duplicated on the plus strand (AGG on the coding strand, the reverse complement: POLE is on the minus strand). VCF-style (leftmost placement, unchanged base first): chr12-132665302-C-CCCT. GRCh37 (hg19) VCF-style: chr12-133241888-C-CCCT.
Other names: c.2465_2467dupAGG (NM_006231.3); c.2465_2467dup (NM_006231.2).
Identifiers: ClinVar variation 473531 (VCV000473531.19), dbSNP rs1237046519, ClinGen allele CA608514275.

ClinVar aggregate classification (germline): Uncertain significance. Review status: criteria provided, multiple submitters, no conflicts (2 of 4 stars). 6 submissions from 6 submitters: Uncertain significance (6). Last evaluated 2026-01-12.

Conditions:
Facial dysmorphism-immunodeficiency-livedo-short stature syndrome. Also called: FILS syndrome; Facial dysmorphism, immunodeficiency, livedo, and short stature. Identifiers: Orphanet 352712, MedGen C3554576, MONDO:0014058, OMIM 615139.
Colorectal cancer, susceptibility to, 12 (CRCS12). Also called: COLORECTAL CANCER, SUSCEPTIBILITY TO, ON CHROMOSOME 12q24. Identifiers: Orphanet 220460, MedGen C3554460, MONDO:0014038, OMIM 615083.
Intrauterine growth retardation, metaphyseal dysplasia, adrenal hypoplasia congenita, genital anomalies, and immunodeficiency. Also called: IMAGEI SYNDROME. Identifiers: MedGen C5193036, MONDO:0032684, OMIM 618336.
Hereditary cancer-predisposing syndrome. Also called: Neoplastic Syndromes, Hereditary; Tumor predisposition; Hereditary neoplastic syndrome; Hereditary Cancer Syndrome. Identifiers: Orphanet 140162, MedGen C0027672, MeSH D009386, MONDO:0015356.

Allele frequency attached by ClinVar (database versions not stated): gnomAD exomes 0.00001 and below 0.00001.

Submissions (6):

Dasa
Classification: Uncertain significance. Last evaluated: 2026-01-12. Review status: criteria provided, single submitter. Criteria: DASA Assertion Criteria. Collection method: clinical testing. Allele origin: germline.
Comment: NM_006231.4(POLE):c.2465_2467dup (p.Lys822_Gly823insGlu) is an in-frame insertion/deletion-insertion predicted to alter the protein sequence without shifting the reading frame. This variant is rare in population databases. The currently available literature and clinical evidence are not sufficient to establish a definitive association between this variant and the reported condition. Therefore, this variant is classified as a variant of uncertain significance.

Labcorp Genetics (formerly Invitae), Labcorp
Classification: Uncertain significance. Last evaluated: 2026-01-06. Review status: criteria provided, single submitter. Criteria: Invitae Variant Classification Sherloc (09022015). Collection method: clinical testing. Allele origin: germline.
Comment: This variant, c.2465_2467dup, results in the insertion of 1 amino acid(s) of the POLE protein (p.Lys822_Gly823insGlu), but otherwise preserves the integrity of the reading frame. This variant is present in population databases (no rsID available, gnomAD 0.003%). This variant has not been reported in the literature in individuals affected with POLE-related conditions. ClinVar contains an entry for this variant (Variation ID: 473531). Experimental studies and prediction algorithms are not available or were not evaluated, and the functional significance of this variant is currently unknown. In summary, the available evidence is currently insufficient to determine the role of this variant in disease. Therefore, it has been classified as a Variant of Uncertain Significance.

GeneDx
Classification: Uncertain significance. Last evaluated: 2025-05-07. Review status: criteria provided, single submitter. Criteria: GeneDx Variant Classification Process June 2021. Collection method: clinical testing. Allele origin: germline. Affected: yes.
Comment: In-frame insertion of 1 amino acid(s) in a non-repeat region; Not observed at significant frequency in large population cohorts (gnomAD); Has not been previously published as pathogenic or benign to our knowledge; This variant is associated with the following publications: (PMID: 20951805)

Ambry Genetics
Classification: Uncertain significance for Hereditary cancer-predisposing syndrome. Last evaluated: 2024-12-09. Review status: criteria provided, single submitter. Criteria: Ambry Variant Classification Scheme 2023. Collection method: clinical testing. Allele origin: germline.
Comment: The c.2465_2467dupAGG variant (also known as p.K822_G823insE), located in coding exon 21 of the POLE gene, results from an in-frame duplication of AGG at nucleotide positions 2465 to 2467. This results in the insertion of a glutamic acid residue between codons 822 and 823. This amino acid region is highly conserved in available vertebrate species. In addition, this alteration is predicted to be deleterious by in silico analysis (Choi Y et al. PLoS ONE. 2012; 7(10):e46688). Based on the available evidence, the clinical significance of this variant remains unclear.

Fulgent Genetics
Classification: Uncertain significance for Colorectal cancer, susceptibility to, 12; Facial dysmorphism-immunodeficiency-livedo-short stature syndrome; Intrauterine growth retardation, metaphyseal dysplasia, adrenal hypoplasia congenita, genital anomalies, and immunodeficiency. Last evaluated: 2021-12-28. Review status: criteria provided, single submitter. Criteria: ACMG Guidelines, 2015. Collection method: clinical testing. Allele origin: unknown.

PreventionGenetics, part of Exact Sciences
Classification: Uncertain significance. Last evaluated: 2017-09-20. Review status: criteria provided, single submitter. Criteria: ACMG Guidelines, 2015. Collection method: clinical testing. Allele origin: germline.